The following is an entry in ClinVar:

NM_002439.5(MSH3):c.2906A>T (p.Gln969Leu)

Gene: MSH3 (mutS homolog 3; plus strand). Cytogenetic location: 5q14.1.
Variant type: single nucleotide variant.
Coding change: c.2906A>T on transcript NM_002439.5 (MANE Select); coding-DNA position 2906, A replaced by T.
Protein change: p.Gln969Leu; replaces glutamine 969 with leucine.
Molecular consequence: missense variant.
Genome position (GRCh38, 1-based): chr5:80,854,222, A>T. VCF-style: chr5-80854222-A-T. GRCh37 (hg19) VCF-style: chr5-80150041-A-T.
Other names: short protein forms Q969L.
Identifiers: ClinVar variation 1797511 (VCV001797511.3), dbSNP rs1745878627, ClinGen allele CA360275661.

ClinVar aggregate classification (germline): Uncertain significance. Review status: criteria provided, multiple submitters, no conflicts (2 of 4 stars). 2 submissions from 2 submitters: Uncertain significance (2). Last evaluated 2025-10-27.

Conditions:
Hereditary cancer-predisposing syndrome. Also called: Neoplastic Syndromes, Hereditary; Tumor predisposition; Hereditary Cancer Syndrome; Hereditary neoplastic syndrome. Identifiers: Orphanet 140162, MedGen C0027672, MeSH D009386, MONDO:0015356.

gnomAD v4.1: 1 of 1,613,960 alleles (0.000062%); highest among the groups gnomAD compares: East Asian, 0.0022%; no homozygotes.

Submissions (2):

Labcorp Genetics (formerly Invitae), Labcorp
Classification: Uncertain significance. Last evaluated: 2025-10-27. Review status: criteria provided, single submitter. Criteria: Invitae Variant Classification Sherloc (09022015). Collection method: clinical testing. Allele origin: germline.
Comment: This sequence change replaces glutamine, which is neutral and polar, with leucine, which is neutral and non-polar, at codon 969 of the MSH3 protein (p.Gln969Leu). This variant is not present in population databases (gnomAD no frequency). This variant has not been reported in the literature in individuals affected with MSH3-related conditions. ClinVar contains an entry for this variant (Variation ID: 1797511). An algorithm developed to predict the effect of missense changes on protein structure and function (PolyPhen-2) suggests that this variant is likely to be tolerated. In summary, the available evidence is currently insufficient to determine the role of this variant in disease. Therefore, it has been classified as a Variant of Uncertain Significance.

Ambry Genetics
Classification: Uncertain significance for Hereditary cancer-predisposing syndrome. Last evaluated: 2022-04-06. Review status: criteria provided, single submitter. Criteria: Ambry Variant Classification Scheme 2023. Collection method: clinical testing. Allele origin: germline.
Comment: The p.Q969L variant (also known as c.2906A>T), located in coding exon 21 of the MSH3 gene, results from an A to T substitution at nucleotide position 2906. The glutamine at codon 969 is replaced by leucine, an amino acid with dissimilar properties. This amino acid position is conserved. In addition, the in silico prediction for this alteration is inconclusive. Since supporting evidence is limited at this time, the clinical significance of this alteration remains unclear.